The following is an entry in ClinVar:

NM_001035.3(RYR2):c.1292+4C>A

Gene: RYR2 (ryanodine receptor 2; plus strand). Cytogenetic location: 1q43.
Variant type: single nucleotide variant.
Coding change: c.1292+4C>A on transcript NM_001035.3 (MANE Select); 4 bases into the intron after coding-DNA position 1292, C replaced by A.
Molecular consequence: intron variant.
Genome position (GRCh38, 1-based): chr1:237,445,526, C>A. VCF-style: chr1-237445526-C-A. GRCh37 (hg19) VCF-style: chr1-237608826-C-A.
Identifiers: ClinVar variation 2131173 (VCV002131173.4), dbSNP rs2528381727, ClinGen allele CA2580062411.
Genomic context (GRCh38, chr1:237,445,526, plus strand): 5'-ATCACGCACAGCCCGAGTTATCCGGAGCACAGTCTTCCTTTTCAATAGATTTATAAGGTA[C>A]TTTTTCTTTTGTAGGCGTAGTTGTTTGATACTTCATTTTCATTTCTTTATTGGATATGCA-3'

ClinVar aggregate classification (germline): Uncertain significance (1 of 4 stars; one submission).

Conditions:
Catecholaminergic polymorphic ventricular tachycardia 1. Also called: VENTRICULAR TACHYCARDIA, CATECHOLAMINERGIC POLYMORPHIC, 1, WITH OR WITHOUT ATRIAL DYSFUNCTION AND/OR DILATED CARDIOMYOPATHY; VENTRICULAR TACHYCARDIA, STRESS-INDUCED POLYMORPHIC 1; RYR2-Related Catecholaminergic Polymorphic Ventricular Tachycardia. Identifiers: Orphanet 3286, MedGen C1631597, MONDO:0011484, OMIM 604772.

gnomAD v4.1: 1 of 1,613,144 alleles (0.000062%); highest among the groups gnomAD compares: Non-Finnish European, 0.000085%; no homozygotes.

Submission:

Labcorp Genetics (formerly Invitae), Labcorp
Classification: Uncertain significance for Catecholaminergic polymorphic ventricular tachycardia 1. Last evaluated: 2022-04-28. Review status: criteria provided, single submitter. Criteria: Invitae Variant Classification Sherloc (09022015). Collection method: clinical testing. Allele origin: germline.
Comment: In summary, the available evidence is currently insufficient to determine the role of this variant in disease. Therefore, it has been classified as a Variant of Uncertain Significance. Variants that disrupt the consensus splice site are a relatively common cause of aberrant splicing (PMID: 17576681, 9536098). Algorithms developed to predict the effect of sequence changes on RNA splicing suggest that this variant is not likely to affect RNA splicing. This variant has not been reported in the literature in individuals affected with RYR2-related conditions. This variant is not present in population databases (gnomAD no frequency). This sequence change falls in intron 14 of the RYR2 gene. It does not directly change the encoded amino acid sequence of the RYR2 protein. It affects a nucleotide within the consensus splice site.

Literature cited by the submitters: PubMed 17576681; PubMed 9536098.